The following is an entry in ClinVar:

NM_000208.4(INSR):c.*2793C>A

Gene: INSR (insulin receptor; minus strand). Cytogenetic location: 19p13.2.
Variant type: single nucleotide variant.
Coding change: c.*2793C>A on transcript NM_000208.4 (MANE Select); 2793 bases downstream of the stop codon, C replaced by A.
Molecular consequence: 3 prime UTR variant.
Genome position (GRCh38, 1-based): chr19:7,114,263, G>T on the plus strand (C>A on the coding strand, the complement: INSR is on the minus strand). VCF-style: chr19-7114263-G-T. GRCh37 (hg19) VCF-style: chr19-7114274-G-T.
Other names: c.*2793C>A (NM_001079817.3).
Identifiers: ClinVar variation 330379 (VCV000330379.5), dbSNP rs9282760, ClinGen allele CA10643379.

ClinVar aggregate classification (germline): Benign. Review status: criteria provided, single submitter (1 of 4 stars). 3 submissions from 1 submitter: Benign (3). Last evaluated 2018-01-12.

Conditions:
Rabson-Mendenhall syndrome. Also called: MENDENHALL SYNDROME; Pineal Hyperplasia, Insulin-Resistant Diabetes Mellitus, and Somatic Abnormalities; Pineal hyperplasia AND diabetes mellitus syndrome. Identifiers: Orphanet 769, MedGen C0271695, MONDO:0009874, OMIM 262190.
Leprechaunism syndrome. Also called: Donohue syndrome; LEPRECHAUNISM. Identifiers: Orphanet 508, MedGen C0265344, MONDO:0009517, OMIM 246200.
Insulin-resistant diabetes mellitus AND acanthosis nigricans. Also called: Insulin-resistance syndrome type A; INSULIN RECEPTOR, DEFECT IN, WITH INSULIN-RESISTANT DIABETES MELLITUS AND ACANTHOSIS NIGRICANS; IRAN, TYPE A; type A insulin resistance; DIABETES MELLITUS, INSULIN-RESISTANT, WITH ACANTHOSIS NIGRICANS, TYPE A. Identifiers: Orphanet 2297, MedGen C0342278, MONDO:0012520, OMIM 610549.

Allele frequency attached by ClinVar (database versions not stated): gnomAD 0.01708; TOPMed 0.01899; 1000 Genomes Project 0.01977; 1000 Genomes Project 30x 0.02202.

Submissions (3):

Illumina Laboratory Services, Illumina
Classification: Benign for Rabson-Mendenhall syndrome. Last evaluated: 2018-01-12. Review status: criteria provided, single submitter. Criteria: ICSL Variant Classification Criteria 13 December 2019. Collection method: clinical testing. Allele origin: germline.
Comment: This variant was observed in the ICSL laboratory as part of a predisposition screen in an ostensibly healthy population. It had not been previously curated by ICSL or reported in the Human Gene Mutation Database (HGMD: prior to June 1st, 2018), and was therefore a candidate for classification through an automated scoring system. Utilizing variant allele frequency, disease prevalence and penetrance estimates, and inheritance mode, an automated score was calculated to assess if this variant is too frequent to cause the disease. Based on the score and internal cut-off values, a variant classified as benign is not then subjected to further curation. The score for this variant resulted in a classification of benign for this disease.

Illumina Laboratory Services, Illumina
Classification: Benign for Leprechaunism syndrome. Last evaluated: 2018-01-12. Review status: criteria provided, single submitter. Criteria: ICSL Variant Classification Criteria 13 December 2019. Collection method: clinical testing. Allele origin: germline.
Comment: the same text as in the submission from Illumina Laboratory Services, Illumina above.

Illumina Laboratory Services, Illumina
Classification: Benign for Insulin-resistant diabetes mellitus AND acanthosis nigricans. Last evaluated: 2018-01-12. Review status: criteria provided, single submitter. Criteria: ICSL Variant Classification Criteria 13 December 2019. Collection method: clinical testing. Allele origin: germline.
Comment: the same text as in the submission from Illumina Laboratory Services, Illumina above.